The following is an entry in ClinVar:

NM_001005361.3(DNM2):c.700G>T (p.Val234Leu)

Gene: DNM2 (dynamin 2; plus strand). Cytogenetic location: 19p13.2.
Variant type: single nucleotide variant.
Coding change: c.700G>T on transcript NM_001005361.3 (MANE Select); coding-DNA position 700, G replaced by T.
Protein change: p.Val234Leu; replaces valine 234 with leucine.
Molecular consequence: missense variant.
Genome position (GRCh38, 1-based): chr19:10,782,971, G>T. VCF-style: chr19-10782971-G-T. GRCh37 (hg19) VCF-style: chr19-10893647-G-T.
Other names: c.700G>T, p.Val234Leu (NM_001005360.3, NM_001005362.3, NM_001190716.2 and 1 more transcripts); short protein forms V234L.
Identifiers: ClinVar variation 1913371 (VCV001913371.5), dbSNP rs377159042, ClinGen allele CA9200879.
Genomic context (GRCh38, chr19:10,782,971, plus strand): 5'-CACTTGGCTCACCTAGCTTTGCCCCTGACCTGACTGCCTCTCCCCACAGGCTACATTGGC[G>T]TGGTGAACCGCAGCCAGAAGGATATTGAGGGCAAGAAGGACATCCGTGCAGCACTGGCAG-3'
Protein context (NP_001005361.1, residues 224-244): LLPLRRGYIG[Val234Leu]VNRSQKDIEG

ClinVar aggregate classification (germline): Uncertain significance (1 of 4 stars; one submission).

Conditions:
Charcot-Marie-Tooth disease dominant intermediate B (CMTDIB). Also called: CHARCOT-MARIE-TOOTH NEUROPATHY, DOMINANT INTERMEDIATE B; Charcot-Marie-Tooth disease dominant intermediate 1; CMT DI1; Charcot-Marie-Tooth disease dominant intermediate I. Identifiers: Orphanet 100044, Orphanet 228179, MedGen C1847902, MONDO:0011674, OMIM 606482.

gnomAD v4.1: 1 of 1,614,008 alleles (0.000062%); highest among the groups gnomAD compares: Non-Finnish European, 0.000085%; no homozygotes.

Submission:

Labcorp Genetics (formerly Invitae), Labcorp
Classification: Uncertain significance for Charcot-Marie-Tooth disease dominant intermediate B. Last evaluated: 2024-09-25. Review status: criteria provided, single submitter. Criteria: Invitae Variant Classification Sherloc (09022015). Collection method: clinical testing. Allele origin: germline.
Comment: This sequence change replaces valine, which is neutral and non-polar, with leucine, which is neutral and non-polar, at codon 234 of the DNM2 protein (p.Val234Leu). The frequency data for this variant in the population databases is considered unreliable, as metrics indicate poor data quality at this position in the gnomAD database. This variant has not been reported in the literature in individuals affected with DNM2-related conditions. ClinVar contains an entry for this variant (Variation ID: 1913371). Invitae Evidence Modeling of protein sequence and biophysical properties (such as structural, functional, and spatial information, amino acid conservation, physicochemical variation, residue mobility, and thermodynamic stability) has been performed for this missense variant. However, the output from this modeling did not meet the statistical confidence thresholds required to predict the impact of this variant on DNM2 protein function. In summary, the available evidence is currently insufficient to determine the role of this variant in disease. Therefore, it has been classified as a Variant of Uncertain Significance.